The following is an entry in ClinVar:

NM_000384.3(APOB):c.9644C>G (p.Ala3215Gly)

Gene: APOB (apolipoprotein B; minus strand). Cytogenetic location: 2p24.1.
Variant type: single nucleotide variant.
Coding change: c.9644C>G on transcript NM_000384.3 (MANE Select); coding-DNA position 9644, C replaced by G.
Protein change: p.Ala3215Gly; replaces alanine 3215 with glycine.
Molecular consequence: missense variant.
Genome position (GRCh38, 1-based): chr2:21,007,224, G>C on the plus strand (C>G on the coding strand, the complement: APOB is on the minus strand). VCF-style: chr2-21007224-G-C. GRCh37 (hg19) VCF-style: chr2-21230096-G-C.
Other names: short protein forms A3215G.
Identifiers: ClinVar variation 1767659 (VCV001767659.2), dbSNP rs1663168619, ClinGen allele CA345989300.

ClinVar aggregate classification (germline): Uncertain significance (1 of 4 stars; one submission).

Conditions:
Cardiovascular phenotype. Identifiers: MedGen CN230736.

Submission:

Ambry Genetics
Classification: Uncertain significance for Cardiovascular phenotype. Last evaluated: 2022-07-29. Review status: criteria provided, single submitter. Criteria: Ambry Variant Classification Scheme 2023. Collection method: clinical testing. Allele origin: germline.
Comment: The p.A3215G variant (also known as c.9644C>G), located in coding exon 26 of the APOB gene, results from a C to G substitution at nucleotide position 9644. The alanine at codon 3215 is replaced by glycine, an amino acid with similar properties. This amino acid position is conserved. In addition, this alteration is predicted to be tolerated by in silico analysis. Since supporting evidence is limited at this time, the clinical significance of this alteration remains unclear.